The following is an entry in ClinVar:

NM_148923.4(CYB5A):c.258+3A>C

Gene: CYB5A (cytochrome b5 type A; minus strand). Cytogenetic location: 18q22.3.
Variant type: single nucleotide variant.
Coding change: c.258+3A>C on transcript NM_148923.4 (MANE Select); 3 bases into the intron after coding-DNA position 258, A replaced by C.
Molecular consequence: intron variant.
Genome position (GRCh38, 1-based): chr18:74,263,346, T>G on the plus strand (A>C on the coding strand, the complement: CYB5A is on the minus strand). VCF-style: chr18-74263346-T-G. GRCh37 (hg19) VCF-style: chr18-71930581-T-G.
Other names: c.258+3A>C (NM_001190807.3, NM_001914.4).
Identifiers: ClinVar variation 4806306 (VCV004806306.1).

ClinVar aggregate classification (germline): Uncertain significance (1 of 4 stars; one submission).

gnomAD v4.1: 1 of 1,613,850 alleles (0.000062%); highest among the groups gnomAD compares: Non-Finnish European, 0.000085%; no homozygotes.

Submission:

Labcorp Genetics (formerly Invitae), Labcorp
Classification: Uncertain significance. Last evaluated: 2025-10-31. Review status: criteria provided, single submitter. Criteria: Invitae Variant Classification Sherloc (09022015). Collection method: clinical testing. Allele origin: germline.
Comment: This sequence change falls in intron 2 of the CYB5A gene. It does not directly change the encoded amino acid sequence of the CYB5A protein. It affects a nucleotide within the consensus splice site. This variant is not present in population databases (gnomAD no frequency). This variant has not been reported in the literature in individuals affected with CYB5A-related conditions. Variants that disrupt the consensus splice site are a relatively common cause of aberrant splicing (PMID: 17576681, 9536098). Algorithms developed to predict the effect of sequence changes on RNA splicing suggest that this variant may disrupt the consensus splice site. In summary, the available evidence is currently insufficient to determine the role of this variant in disease. Therefore, it has been classified as a Variant of Uncertain Significance.

Literature cited by the submitters: PubMed 17576681; PubMed 9536098.